The following is an entry in ClinVar:

ClinVar aggregate classification (germline): Uncertain significance (1 of 4 stars; one submission).

Allele frequency attached by ClinVar (database versions not stated): gnomAD exomes below 0.00001; TOPMed below 0.00001.
gnomAD v4.1: 1 of 1,603,452 alleles (0.000062%); highest among the groups gnomAD compares: Non-Finnish European, 0.000085%; no homozygotes.

Submission:

Labcorp Genetics (formerly Invitae), Labcorp
Classification: Uncertain significance. Last evaluated: 2022-07-24. Review status: criteria provided, single submitter. Criteria: Invitae Variant Classification Sherloc (09022015). Collection method: clinical testing. Allele origin: germline.
Comment: This sequence change replaces aspartic acid, which is acidic and polar, with alanine, which is neutral and non-polar, at codon 286 of the UNC45A protein (p.Asp286Ala). This variant is not present in population databases (gnomAD no frequency). This variant has not been reported in the literature in individuals affected with UNC45A-related conditions. ClinVar contains an entry for this variant (Variation ID: 1521758). Algorithms developed to predict the effect of missense changes on protein structure and function are either unavailable or do not agree on the potential impact of this missense change (SIFT: "Not Available"; PolyPhen-2: "Possibly Damaging"; Align-GVGD: "Not Available"). In summary, the available evidence is currently insufficient to determine the role of this variant in disease. Therefore, it has been classified as a Variant of Uncertain Significance.

NM_018671.5(UNC45A):c.857A>C (p.Asp286Ala)

Gene: UNC45A (unc-45 myosin chaperone A; plus strand). Cytogenetic location: 15q26.1.
Variant type: single nucleotide variant.
Coding change: c.857A>C on transcript NM_018671.5 (MANE Select); coding-DNA position 857, A replaced by C.
Protein change: p.Asp286Ala; replaces aspartic acid 286 with alanine.
Molecular consequence: missense variant.
Genome position (GRCh38, 1-based): chr15:90,942,912, A>C. VCF-style: chr15-90942912-A-C. GRCh37 (hg19) VCF-style: chr15-91486142-A-C.
Other names: c.812A>C, p.Asp271Ala (NM_001039675.2, NM_001323621.2); c.857A>C, p.Asp286Ala (NM_001323619.1); c.422A>C, p.Asp141Ala (NM_001323620.2); short protein forms D286A, D141A, D271A.
Identifiers: ClinVar variation 1521758 (VCV001521758.6), dbSNP rs1194788491, ClinGen allele CA393852859.
Genomic context (GRCh38, chr15:90,942,912, plus strand): 5'-GAAGGGTCAAACTGGGCTGGGCTGCTGTGGAGCCCACTGATGTCTTCTTGTTGTTGCCAG[A>C]TCCTGCCCGGGAGCTGAAGGTCCTCATCAGTAACCTCTTAGATCTGCTGACAGAGGTGGG-3'
Protein context (NP_061141.2, residues 276-296): FRGKEGAIIV[Asp286Ala]PARELKVLIS